The following is an entry in ClinVar:

ClinVar aggregate classification (germline): Uncertain significance. Review status: criteria provided, multiple submitters, no conflicts (2 of 4 stars). 6 submissions from 3 submitters: Uncertain significance (6). Last evaluated 2023-04-11.

Conditions:
Thyrotoxic periodic paralysis, susceptibility to, 1 (TTPP1). Identifiers: Orphanet 79102, MedGen C2749982, MONDO:0008570, OMIM 188580.
Malignant hyperthermia, susceptibility to, 5 (MHS5). Also called: CACNA1S-Related Malignant Hyperthermia Susceptibility. Identifiers: Orphanet 423, MedGen C1866077, MONDO:0011163, OMIM 601887.
Hypokalemic periodic paralysis, type 1. Also called: HypoPP; Hypokalemic Periodic Paralysis Type 1 (AD). Identifiers: Orphanet 681, MedGen C3714580, MONDO:0042979, OMIM 170400.
Congenital myopathy 18. Also called: DIHYDROPYRIDINE RECEPTOR CONGENITAL MYOPATHY; DHPR CONGENITAL MYOPATHY; Myopathy, congenital, due to dihydropyridine receptor defect. Identifiers: MedGen C5830283, MONDO:0859514, OMIM 620246.

Allele frequency attached by ClinVar (database versions not stated): ExAC 0.00001; gnomAD exomes 0.00001 and 0.00002.
gnomAD v4.1: 32 of 1,614,162 alleles (0.002%); highest among the groups gnomAD compares: Non-Finnish European, 0.0027%; no homozygotes.

Submissions (6):

Genome-Nilou Lab
Classification: Uncertain significance for Malignant hyperthermia, susceptibility to, 5. Last evaluated: 2023-04-11. Review status: criteria provided, single submitter. Criteria: ACMG Guidelines, 2015. Collection method: clinical testing. Allele origin: germline. Affected: no.

Genome-Nilou Lab
Classification: Uncertain significance for Thyrotoxic periodic paralysis, susceptibility to, 1. Last evaluated: 2023-04-11. Review status: criteria provided, single submitter. Criteria: ACMG Guidelines, 2015. Collection method: clinical testing. Allele origin: germline. Affected: no.

Genome-Nilou Lab
Classification: Uncertain significance for Congenital myopathy 18. Last evaluated: 2023-04-11. Review status: criteria provided, single submitter. Criteria: ACMG Guidelines, 2015. Collection method: clinical testing. Allele origin: germline. Affected: no.

Genome-Nilou Lab
Classification: Uncertain significance for Hypokalemic periodic paralysis, type 1. Last evaluated: 2023-04-11. Review status: criteria provided, single submitter. Criteria: ACMG Guidelines, 2015. Collection method: clinical testing. Allele origin: germline. Affected: no.

Labcorp Genetics (formerly Invitae), Labcorp
Classification: Uncertain significance for Hypokalemic periodic paralysis, type 1; Malignant hyperthermia, susceptibility to, 5. Last evaluated: 2022-10-17. Review status: criteria provided, single submitter. Criteria: Invitae Variant Classification Sherloc (09022015). Collection method: clinical testing. Allele origin: germline.
Comment: This sequence change replaces glycine, which is neutral and non-polar, with arginine, which is basic and polar, at codon 1252 of the CACNA1S protein (p.Gly1252Arg). This variant is present in population databases (rs768780512, gnomAD 0.002%). This variant has not been reported in the literature in individuals affected with CACNA1S-related conditions. ClinVar contains an entry for this variant (Variation ID: 573767). Advanced modeling of protein sequence and biophysical properties (such as structural, functional, and spatial information, amino acid conservation, physicochemical variation, residue mobility, and thermodynamic stability) performed at Invitae indicates that this missense variant is not expected to disrupt CACNA1S protein function. In summary, the available evidence is currently insufficient to determine the role of this variant in disease. Therefore, it has been classified as a Variant of Uncertain Significance.

Fulgent Genetics
Classification: Uncertain significance for Hypokalemic periodic paralysis, type 1; Thyrotoxic periodic paralysis, susceptibility to, 1; Malignant hyperthermia, susceptibility to, 5. Last evaluated: 2022-04-05. Review status: criteria provided, single submitter. Criteria: ACMG Guidelines, 2015. Collection method: clinical testing. Allele origin: unknown.

NM_000069.3(CACNA1S):c.3754G>A (p.Gly1252Arg)

Gene: CACNA1S (calcium voltage-gated channel subunit alpha1 S; minus strand). Cytogenetic location: 1q32.1.
Variant type: single nucleotide variant.
Coding change: c.3754G>A on transcript NM_000069.3 (MANE Select); coding-DNA position 3754, G replaced by A.
Protein change: p.Gly1252Arg; replaces glycine 1252 with arginine.
Molecular consequence: missense variant.
Genome position (GRCh38, 1-based): chr1:201,053,500, C>T on the plus strand (G>A on the coding strand, the complement: CACNA1S is on the minus strand). VCF-style: chr1-201053500-C-T. GRCh37 (hg19) VCF-style: chr1-201022628-C-T.
Other names: short protein forms G1252R.
Identifiers: ClinVar variation 573767 (VCV000573767.10), dbSNP rs768780512, ClinGen allele CA082800.
Genomic context (GRCh38, chr1:201,053,500, plus strand): 5'-TCCAGGGTCCCTGTTGCACCTGGAAGGACTTGATGAACGTCCACAGGAGGGTTCGCACTC[C>T]TTCTGCCCGGCTCAGCAGCTTGATCAGCCTCATGACACGGAACAGGCGGAAGAAGGCGCT-3'
Protein context (NP_000060.2, residues 1242-1262): RLIKLLSRAE[Gly1252Arg]VRTLLWTFIK